The following is an entry in ClinVar:

ClinVar aggregate classification (germline): Uncertain significance (1 of 4 stars; one submission).

Submission:

GeneDx
Classification: Uncertain significance. Last evaluated: 2024-11-11. Review status: criteria provided, single submitter. Criteria: GeneDx Variant Classification Process June 2021. Collection method: clinical testing. Allele origin: germline. Affected: yes.
Comment: Not observed at significant frequency in large population cohorts (gnomAD); In silico analysis supports that this missense variant has a deleterious effect on protein structure/function; Has not been previously published as pathogenic or benign to our knowledge

NM_002653.5(PITX1):c.788C>G (p.Pro263Arg)

Gene: PITX1 (paired like homeodomain 1; minus strand). Cytogenetic location: 5q31.1.
Variant type: single nucleotide variant.
Coding change: c.788C>G on transcript NM_002653.5 (MANE Select); coding-DNA position 788, C replaced by G.
Protein change: p.Pro263Arg; replaces proline 263 with arginine.
Molecular consequence: missense variant.
Genome position (GRCh38, 1-based): chr5:135,028,936, G>C on the plus strand (C>G on the coding strand, the complement: PITX1 is on the minus strand). VCF-style: chr5-135028936-G-C. GRCh37 (hg19) VCF-style: chr5-134364626-G-C.
Other names: short protein forms P263R.
Identifiers: ClinVar variation 3899576 (VCV003899576.1).